The following is an entry in ClinVar:

ClinVar aggregate classification (germline): Likely benign. Review status: criteria provided, multiple submitters, no conflicts (2 of 4 stars). 5 submissions from 5 submitters: Likely benign (4). 1 of the submissions does not count toward it. Last evaluated 2026-01-13.

Conditions:
AXIN2-related disorder.
Hereditary cancer-predisposing syndrome. Also called: Neoplastic Syndromes, Hereditary; Hereditary neoplastic syndrome; Tumor predisposition; Hereditary Cancer Syndrome. Identifiers: Orphanet 140162, MedGen C0027672, MeSH D009386, MONDO:0015356.
Oligodontia-cancer predisposition syndrome. Also called: TOOTH AGENESIS-COLORECTAL CANCER SYNDROME. Identifiers: Orphanet 300576, MedGen C1837750, MONDO:0012075, OMIM 608615. Disease mechanism: loss of function.

Submissions (5):

Labcorp Genetics (formerly Invitae), Labcorp
Classification: Likely benign for Oligodontia-cancer predisposition syndrome. Last evaluated: 2026-01-13. Review status: criteria provided, single submitter. Criteria: Invitae Variant Classification Sherloc (09022015). Collection method: clinical testing. Allele origin: germline.

Ambry Genetics
Classification: Likely benign for Hereditary cancer-predisposing syndrome. Last evaluated: 2023-05-31. Review status: criteria provided, single submitter. Criteria: Ambry Variant Classification Scheme 2023. Collection method: clinical testing. Allele origin: germline.

Quest Diagnostics Nichols Institute San Juan Capistrano
Classification: Likely benign. Last evaluated: 2023-04-25. Review status: criteria provided, single submitter. Criteria: Quest Diagnostics criteria. Collection method: clinical testing. Allele origin: unknown.

GeneDx
Classification: Likely benign. Last evaluated: 2023-03-20. Review status: criteria provided, single submitter. Criteria: GeneDx Variant Classification Process June 2021. Collection method: clinical testing. Allele origin: germline. Affected: yes.
Comment: See Variant Classification Assertion Criteria.

PreventionGenetics, part of Exact Sciences
Classification: Likely benign for AXIN2-related condition. Last evaluated: 2023-04-11. Review status: no assertion criteria provided. Collection method: clinical testing. Allele origin: germline. Not counted in ClinVar's aggregate classification.
Comment: This variant is classified as likely benign based on ACMG/AMP sequence variant interpretation guidelines (Richards et al. 2015 PMID: 25741868, with internal and published modifications).

NM_004655.4(AXIN2):c.815+3dup

Gene: AXIN2 (axin 2; minus strand). Cytogenetic location: 17q24.1.
Variant type: Duplication.
Coding change: c.815+3dup on transcript NM_004655.4 (MANE Select); 3 bases into the intron after coding-DNA position 815, one base duplicated (A; older notation c.815+3dupA).
Molecular consequence: intron variant.
Genome position (GRCh38, 1-based): chr17:65,557,802, T duplicated on the plus strand (A on the coding strand, the reverse complement: AXIN2 is on the minus strand); the first of 2 consecutive T bases (chr17:65,557,802-65,557,803); duplicating either gives the same sequence. VCF-style (leftmost placement, unchanged base first): chr17-65557801-C-CT. GRCh37 (hg19) VCF-style: chr17-63553919-C-CT.
Other names: c.815+3dup (NM_001363813.1); c.815+4dup (NM_004655.3, LRG_296t1).
Identifiers: ClinVar variation 240033 (VCV000240033.20), dbSNP rs745726935, ClinGen allele CA8718980.